The following is an entry in ClinVar:

ClinVar aggregate classification (germline): Pathogenic (1 of 4 stars; one submission).

Conditions:
LAMA2-related muscular dystrophy (LAMA2-RD). Also called: Laminin alpha 2-related dystrophy. Identifiers: MedGen C5679788, MONDO:0100228.

Submission:

Labcorp Genetics (formerly Invitae), Labcorp
Classification: Pathogenic for LAMA2-related muscular dystrophy. Last evaluated: 2019-09-25. Review status: criteria provided, single submitter. Criteria: Invitae Variant Classification Sherloc (09022015). Collection method: clinical testing. Allele origin: germline.
Comment: For these reasons, this variant has been classified as Pathogenic. Loss-of-function variants in LAMA2 are known to be pathogenic (PMID: 18700894). This variant has not been reported in the literature in individuals with LAMA2-related conditions. This variant is an out-of-frame deletion of the genomic region encompassing exons 2-18 of the LAMA2 gene. This is expected to create a premature translational stop signal and result in an absent or disrupted protein product.

Literature cited by the submitters: PubMed 18700894.

NC_000006.12:g.(?_129049908)_(129280157_?)del

Gene: LAMA2 (laminin subunit alpha 2; plus strand). Cytogenetic location: 6q22.33.
Variant type: Deletion.
Identifiers: ClinVar variation 831906 (VCV000831906.6).